The following is an entry in ClinVar:

NM_001378328.1(CELSR1):c.1986C>T (p.His662=)

Gene: CELSR1 (cadherin EGF LAG seven-pass G-type receptor 1; minus strand). Cytogenetic location: 22q13.31.
Variant type: single nucleotide variant.
Coding change: c.1986C>T on transcript NM_001378328.1 (MANE Select); coding-DNA position 1986, C replaced by T.
Protein change: p.His662=; no amino-acid change (histidine 662 retained).
Molecular consequence: synonymous variant.
Genome position (GRCh38, 1-based): chr22:46,535,185, G>A on the plus strand (C>T on the coding strand, the complement: CELSR1 is on the minus strand). VCF-style: chr22-46535185-G-A. GRCh37 (hg19) VCF-style: chr22-46931082-G-A.
Other names: c.1986C>T, p.His662= (NM_014246.4).
Identifiers: ClinVar variation 3051209 (VCV003051209.2), dbSNP rs762482353, ClinGen allele CA10295358.

ClinVar aggregate classification (germline): Likely benign (0 of 4 stars; one submission).

Conditions:
CELSR1-related disorder. Also called: CELSR1-related condition.

Allele frequency attached by ClinVar (database versions not stated): gnomAD 0.00002; gnomAD exomes 0.00003; TOPMed 0.00006.
gnomAD v4.1: 52 of 1,608,652 alleles (0.0032%); highest among the groups gnomAD compares: East Asian, 0.0089%; no homozygotes.

Submission:

PreventionGenetics, part of Exact Sciences
Classification: Likely benign for CELSR1-related condition. Last evaluated: 2022-07-15. Review status: no assertion criteria provided. Collection method: clinical testing. Allele origin: germline.
Comment: This variant is classified as likely benign based on ACMG/AMP sequence variant interpretation guidelines (Richards et al. 2015 PMID: 25741868, with internal and published modifications).